The following is an entry in ClinVar:

NM_004655.4(AXIN2):c.1792G>T (p.Gly598Trp)

Gene: AXIN2 (axin 2; minus strand). Cytogenetic location: 17q24.1.
Variant type: single nucleotide variant.
Coding change: c.1792G>T on transcript NM_004655.4 (MANE Select); coding-DNA position 1792, G replaced by T.
Protein change: p.Gly598Trp; replaces glycine 598 with tryptophan.
Molecular consequence: missense variant. On other transcripts: intron variant (1).
Genome position (GRCh38, 1-based): chr17:65,536,984, C>A on the plus strand (G>T on the coding strand, the complement: AXIN2 is on the minus strand). VCF-style: chr17-65536984-C-A. GRCh37 (hg19) VCF-style: chr17-63533102-C-A.
Other names: c.1712+340G>T (NM_001363813.1); short protein forms G598W.
Identifiers: ClinVar variation 5032653 (VCV005032653.1).

ClinVar aggregate classification (germline): Uncertain significance (1 of 4 stars; one submission).

Conditions:
Hereditary cancer-predisposing syndrome. Also called: Neoplastic Syndromes, Hereditary; Tumor predisposition; Hereditary neoplastic syndrome; Hereditary Cancer Syndrome. Identifiers: Orphanet 140162, MedGen C0027672, MeSH D009386, MONDO:0015356.

Submission:

Ambry Genetics
Classification: Uncertain significance for Hereditary cancer-predisposing syndrome. Last evaluated: 2026-07-07. Review status: criteria provided, single submitter. Criteria: Ambry Variant Classification Scheme 2023. Collection method: clinical testing. Allele origin: germline.
Comment: The p.G598W variant (also known as c.1792G>T), located in coding exon 6 of the AXIN2 gene, results from a G to T substitution at nucleotide position 1792. The glycine at codon 598 is replaced by tryptophan, an amino acid with highly dissimilar properties. This amino acid position is conserved. In addition, the in silico prediction for this alteration is inconclusive. Based on the available evidence, the clinical significance of this variant remains unclear.